The following is an entry in ClinVar:

ClinVar aggregate classification (germline): Uncertain significance (1 of 4 stars; one submission).

gnomAD v4.1: 4 of 1,614,004 alleles (0.00025%); highest among the groups gnomAD compares: Non-Finnish European, 0.00034%; no homozygotes.

Submission:

Labcorp Genetics (formerly Invitae), Labcorp
Classification: Uncertain significance. Last evaluated: 2025-09-05. Review status: criteria provided, single submitter. Criteria: Invitae Variant Classification Sherloc (09022015). Collection method: clinical testing. Allele origin: germline.
Comment: This sequence change replaces glycine, which is neutral and non-polar, with cysteine, which is neutral and slightly polar, at codon 1054 of the LRP6 protein (p.Gly1054Cys). This variant is not present in population databases (gnomAD no frequency). This variant has not been reported in the literature in individuals affected with LRP6-related conditions. Invitae Evidence Modeling of protein sequence and biophysical properties (such as structural, functional, and spatial information, amino acid conservation, physicochemical variation, residue mobility, and thermodynamic stability) indicates that this missense variant is not expected to disrupt LRP6 protein function with a negative predictive value of 80%. In summary, the available evidence is currently insufficient to determine the role of this variant in disease. Therefore, it has been classified as a Variant of Uncertain Significance.

NM_002336.3(LRP6):c.3160G>T (p.Gly1054Cys)

Gene: LRP6 (LDL receptor related protein 6; minus strand). Cytogenetic location: 12p13.2.
Variant type: single nucleotide variant.
Coding change: c.3160G>T on transcript NM_002336.3 (MANE Select); coding-DNA position 3160, G replaced by T.
Protein change: p.Gly1054Cys; replaces glycine 1054 with cysteine.
Molecular consequence: missense variant. On other transcripts: non-coding transcript variant (1).
Genome position (GRCh38, 1-based): chr12:12,148,988, C>A on the plus strand (G>T on the coding strand, the complement: LRP6 is on the minus strand). VCF-style: chr12-12148988-C-A. GRCh37 (hg19) VCF-style: chr12-12301922-C-A.
Other names: c.3160G>T, p.Gly1054Cys (NM_001414251.1, NM_001414246.1, NM_001414248.1 and 4 more transcripts); c.2707G>T, p.Gly903Cys (NM_001414252.1, NM_001414253.1, NM_001414254.1); c.2653G>T, p.Gly885Cys (NM_001414255.1); c.2962G>T, p.Gly988Cys (NM_001414247.1); short protein forms G903C, G885C, G988C, G1054C.
Identifiers: ClinVar variation 4770528 (VCV004770528.1).